The following is an entry in ClinVar:

NM_000246.4(CIITA):c.854G>A (p.Gly285Asp)

Gene: CIITA (class II major histocompatibility complex transactivator; plus strand). Cytogenetic location: 16p13.13.
Variant type: single nucleotide variant.
Coding change: c.854G>A on transcript NM_000246.4 (MANE Select); coding-DNA position 854, G replaced by A.
Protein change: p.Gly285Asp; replaces glycine 285 with aspartic acid.
Molecular consequence: missense variant. On other transcripts: non-coding transcript variant (1).
Genome position (GRCh38, 1-based): chr16:10,903,812, G>A. VCF-style: chr16-10903812-G-A. GRCh37 (hg19) VCF-style: chr16-10997669-G-A.
Other names: c.857G>A, p.Gly286Asp (NM_001286402.1, NM_001379332.1); c.707G>A, p.Gly236Asp (NM_001286403.2, NM_001379331.1); c.710G>A, p.Gly237Asp (NM_001379330.1); c.854G>A, p.Gly285Asp (NM_001379333.1); c.785G>A, p.Gly262Asp (NM_001379334.1); short protein forms G237D, G262D, G285D, G286D, G236D.
Identifiers: ClinVar variation 1473465 (VCV001473465.5), dbSNP rs752824545, ClinGen allele CA394729249.

ClinVar aggregate classification (germline): Uncertain significance (1 of 4 stars; one submission).

Conditions:
MHC class II deficiency. Also called: BLS, TYPE II; Bare lymphocyte syndrome 2. Identifiers: Orphanet 572, MedGen C5447452, MONDO:0008855.

Submission:

Labcorp Genetics (formerly Invitae), Labcorp
Classification: Uncertain significance for MHC class II deficiency. Last evaluated: 2021-08-28. Review status: criteria provided, single submitter. Criteria: Invitae Variant Classification Sherloc (09022015). Collection method: clinical testing. Allele origin: germline.
Comment: This sequence change replaces glycine with aspartic acid at codon 285 of the CIITA protein (p.Gly285Asp). The glycine residue is moderately conserved and there is a moderate physicochemical difference between glycine and aspartic acid. This variant is not present in population databases (ExAC no frequency). This variant has not been reported in the literature in individuals affected with CIITA-related conditions. Algorithms developed to predict the effect of missense changes on protein structure and function are either unavailable or do not agree on the potential impact of this missense change (SIFT: "Deleterious"; PolyPhen-2: "Possibly Damaging"; Align-GVGD: "Class C0"). In summary, the available evidence is currently insufficient to determine the role of this variant in disease. Therefore, it has been classified as a Variant of Uncertain Significance.